The following is an entry in ClinVar:

ClinVar aggregate classification (germline): Conflicting classifications of pathogenicity. Review status: criteria provided, conflicting classifications (1 of 4 stars). 13 submissions from 13 submitters: Uncertain significance (10); Likely benign (2). 1 of the submissions does not count toward it. Last evaluated 2026-01-22.

Conditions:
Self-limited epilepsy with centrotemporal spikes. Also called: Rolandic epilepsy; Childhood epilepsy with centrotemporal spikes. Identifiers: Orphanet 1945, MedGen C0376532, MONDO:0007295.
Norman-Roberts syndrome (LIS2). Also called: Lissencephaly 2 (Norman-Roberts type). Identifiers: Orphanet 89844, MedGen C0796089, MONDO:0009760, OMIM 257320.
Familial temporal lobe epilepsy 7. Identifiers: Orphanet 101046, MedGen C4225327, MONDO:0014639, OMIM 616436.
Inborn genetic diseases. Identifiers: MedGen C0950123, MeSH D030342.
Epilepsy, familial temporal lobe, 1. Identifiers: Orphanet 101046, MedGen CN030884, MONDO:0700090, OMIM 600512.

Allele frequency attached by ClinVar (database versions not stated): TOPMed 0.00045; gnomAD 0.00047 and 0.00046; ESP Exome Variant Server 0.00054; gnomAD exomes 0.00071 and 0.00032; ExAC 0.00027.
gnomAD v4.1: 1,080 of 1,613,998 alleles (0.067%); highest among the groups gnomAD compares: Non-Finnish European, 0.088%; no homozygotes.

Submissions (13):

Labcorp Genetics (formerly Invitae), Labcorp
Classification: Likely benign for Familial temporal lobe epilepsy 7; Norman-Roberts syndrome. Last evaluated: 2026-01-22. Review status: criteria provided, single submitter. Criteria: Invitae Variant Classification Sherloc (09022015). Collection method: clinical testing. Allele origin: germline.

GeneDx
Classification: Uncertain significance. Last evaluated: 2025-07-15. Review status: criteria provided, single submitter. Criteria: GeneDx Variant Classification Process June 2021. Collection method: clinical testing. Allele origin: germline. Affected: yes.
Comment: In silico analysis suggests that this missense variant does not alter protein structure/function; Has not been previously published as pathogenic or benign to our knowledge

Ambry Genetics
Classification: Likely benign for Inborn genetic diseases. Last evaluated: 2025-05-22. Review status: criteria provided, single submitter. Criteria: Ambry Variant Classification Scheme 2023. Collection method: clinical testing. Allele origin: germline.

Blueprint Genetics
Classification: Uncertain significance. Last evaluated: 2024-10-21. Review status: criteria provided, single submitter. Criteria: ACMG Guidelines, 2015. Collection method: clinical testing. Allele origin: germline.

CeGaT Center for Human Genetics Tuebingen
Classification: Uncertain significance. Last evaluated: 2023-04-01. Review status: criteria provided, single submitter. Criteria: CeGaT Center For Human Genetics Tuebingen Variant Classification Criteria Version 2. Collection method: clinical testing. Allele origin: germline. Affected: yes. Observed: 1 variant allele.

Athena Diagnostics
Classification: Uncertain significance. Last evaluated: 2020-07-24. Review status: criteria provided, single submitter. Criteria: Athena Diagnostics Criteria. Collection method: clinical testing. Allele origin: unknown.

New York Genome Center
Classification: Uncertain significance for Norman-Roberts syndrome. Last evaluated: 2020-04-13. Review status: criteria provided, single submitter. Criteria: NYGC Assertion Criteria 2020. Collection method: clinical testing. Allele origin: germline. Observed: 1 heterozygote. Study: CSER-NYCKidSeq.

Revvity Omics, Revvity
Classification: Uncertain significance for Norman-Roberts syndrome. Last evaluated: 2019-04-18. Review status: criteria provided, single submitter. Criteria: ACMG Guidelines, 2015. Collection method: clinical testing. Allele origin: germline.

Fulgent Genetics
Classification: Uncertain significance for Norman-Roberts syndrome; Epilepsy, familial temporal lobe, 1; Familial temporal lobe epilepsy 7. Last evaluated: 2018-10-31. Review status: criteria provided, single submitter. Criteria: ACMG Guidelines, 2015. Collection method: clinical testing. Allele origin: unknown.

Illumina Laboratory Services, Illumina
Classification: Uncertain significance for Norman-Roberts syndrome. Last evaluated: 2018-01-13. Review status: criteria provided, single submitter. Criteria: ICSL Variant Classification Criteria 13 December 2019. Collection method: clinical testing. Allele origin: germline.

Center for Pediatric Genomic Medicine, Children's Mercy Hospital and Clinics
Classification: Uncertain significance. Last evaluated: 2016-08-19. Review status: criteria provided, single submitter. Criteria: ACMG Guidelines, 2015. Collection method: clinical testing. Allele origin: germline.
ClinVar note: Converted during submission from Uncertain Significance to Uncertain significance.

Eurofins Ntd Llc (ga)
Classification: Uncertain significance. Last evaluated: 2016-05-06. Review status: criteria provided, single submitter. Criteria: EGL Classification Definitions 2015. Collection method: clinical testing. Allele origin: germline. Observed: 3 variant alleles, 3 heterozygotes.

Bioinformatics Core, Luxembourg Center for Systems Biomedicine
Classification: Pathogenic for Self-limited epilepsy with centrotemporal spikes. Last evaluated: 2017-01-01. Review status: no assertion criteria provided. Collection method: case-control. Allele origin: germline. Affected: yes. Study: EUROEPINOMICS COGIE. Not counted in ClinVar's aggregate classification.

Literature cited by the submitters: PubMed 29358611 (cited by 3 submitters); PubMed 36413997 (cited by Ambry Genetics).

NM_005045.4(RELN):c.139G>A (p.Glu47Lys)

Gene: RELN (reelin; minus strand). Cytogenetic location: 7q22.1.
Variant type: single nucleotide variant.
Coding change: c.139G>A on transcript NM_005045.4 (MANE Select); coding-DNA position 139, G replaced by A.
Protein change: p.Glu47Lys; replaces glutamic acid 47 with lysine.
Molecular consequence: missense variant.
Genome position (GRCh38, 1-based): chr7:103,989,218, C>T on the plus strand (G>A on the coding strand, the complement: RELN is on the minus strand). VCF-style: chr7-103989218-C-T. GRCh37 (hg19) VCF-style: chr7-103629665-C-T.
Other names: c.139G>A, p.Glu47Lys (NM_173054.3); short protein forms E47K.
Identifiers: ClinVar variation 95211 (VCV000095211.53), dbSNP rs139648092, ClinGen allele CA222810.
Genomic context (GRCh38, chr7:103,989,218, plus strand): 5'-AGGTGGGGTTGCCCGCAATATGCAGGGAAATGAGCACCTCGCCCTGCTCCCCATCCCCTT[C>T]CAGCTCCCCGTGGTGGGTGCACAGGAAAAAGAAGGGCGAAAAGCGGGGGTAATAGCCAGC-3'
Protein context (NP_005036.2, residues 37-57): FFLCTHHGEL[Glu47Lys]GDGEQGEVLI